The following is an entry in ClinVar:

NM_000041.4(APOE):c.887G>C (p.Gly296Ala)

Gene: APOE (apolipoprotein E; plus strand). Cytogenetic location: 19q13.32.
Variant type: single nucleotide variant.
Coding change: c.887G>C on transcript NM_000041.4 (MANE Select); coding-DNA position 887, G replaced by C.
Protein change: p.Gly296Ala; replaces glycine 296 with alanine.
Molecular consequence: missense variant.
Genome position (GRCh38, 1-based): chr19:44,909,183, G>C. VCF-style: chr19-44909183-G-C. GRCh37 (hg19) VCF-style: chr19-45412440-G-C.
Other names: c.965G>C, p.Gly322Ala (NM_001302688.2); c.887G>C, p.Gly296Ala (NM_001302689.2, NM_001302690.2, NM_001302691.2); short protein forms G296A, G322A.
Identifiers: ClinVar variation 5028902 (VCV005028902.1).

ClinVar aggregate classification (germline): Uncertain significance (1 of 4 stars; one submission).

Conditions:
Cardiovascular phenotype. Identifiers: MedGen CN230736.

gnomAD v4.1: 2 of 1,599,436 alleles (0.00013%); highest among the groups gnomAD compares: Non-Finnish European, 0.00017%; no homozygotes.

Submission:

Ambry Genetics
Classification: Uncertain significance for Cardiovascular phenotype. Last evaluated: 2026-07-31. Review status: criteria provided, single submitter. Criteria: Ambry Variant Classification Scheme 2023. Collection method: clinical testing. Allele origin: germline.
Comment: The p.G296A variant (also known as c.887G>C), located in coding exon 3 of the APOE gene, results from a G to C substitution at nucleotide position 887. The glycine at codon 296 is replaced by alanine, an amino acid with similar properties. This amino acid position is conserved. In addition, this alteration is predicted to be tolerated by in silico analysis. Based on the available evidence, the clinical significance of this variant remains unclear.